The following is an entry in ClinVar:

NM_004700.4(KCNQ4):c.1612A>G (p.Arg538Gly)

Gene: KCNQ4 (potassium voltage-gated channel subfamily Q member 4; plus strand). Cytogenetic location: 1p34.2.
Variant type: single nucleotide variant.
Coding change: c.1612A>G on transcript NM_004700.4 (MANE Select); coding-DNA position 1612, A replaced by G.
Protein change: p.Arg538Gly; replaces arginine 538 with glycine.
Molecular consequence: missense variant.
Genome position (GRCh38, 1-based): chr1:40,833,112, A>G. VCF-style: chr1-40833112-A-G. GRCh37 (hg19) VCF-style: chr1-41298784-A-G.
Other names: c.1450A>G, p.Arg484Gly (NM_172163.3); short protein forms R538G, R484G.
Identifiers: ClinVar variation 2770152 (VCV002770152.3), dbSNP rs1648700859, ClinGen allele CA339887835.

ClinVar aggregate classification (germline): Uncertain significance (1 of 4 stars; one submission).

Allele frequency attached by ClinVar (database versions not stated): gnomAD exomes below 0.00001.
gnomAD v4.1: 5 of 1,609,400 alleles (0.00031%); highest among the groups gnomAD compares: Non-Finnish European, 0.00042%; no homozygotes.

Submission:

Labcorp Genetics (formerly Invitae), Labcorp
Classification: Uncertain significance. Last evaluated: 2023-10-19. Review status: criteria provided, single submitter. Criteria: Invitae Variant Classification Sherloc (09022015). Collection method: clinical testing. Allele origin: germline.
Comment: This sequence change replaces arginine, which is basic and polar, with glycine, which is neutral and non-polar, at codon 538 of the KCNQ4 protein (p.Arg538Gly). This variant is not present in population databases (gnomAD no frequency). This variant has not been reported in the literature in individuals affected with KCNQ4-related conditions. An algorithm developed to predict the effect of missense changes on protein structure and function (PolyPhen-2) suggests that this variant is likely to be disruptive. In summary, the available evidence is currently insufficient to determine the role of this variant in disease. Therefore, it has been classified as a Variant of Uncertain Significance.